The following is an entry in ClinVar:

NM_001347721.2(DYRK1A):c.1330A>G (p.Lys444Glu)

Gene: DYRK1A (dual specificity tyrosine phosphorylation regulated kinase 1A; plus strand). Cytogenetic location: 21q22.13.
Variant type: single nucleotide variant.
Coding change: c.1330A>G on transcript NM_001347721.2 (MANE Select); coding-DNA position 1330, A replaced by G.
Protein change: p.Lys444Glu; replaces lysine 444 with glutamic acid.
Molecular consequence: missense variant.
Genome position (GRCh38, 1-based): chr21:37,505,400, A>G. VCF-style: chr21-37505400-A-G. GRCh37 (hg19) VCF-style: chr21-38877703-A-G.
Other names: c.1330A>G, p.Lys444Glu (NM_001347722.2, NM_130436.2); c.1243A>G, p.Lys415Glu (NM_001347723.2); c.1357A>G, p.Lys453Glu (NM_001396.5, NM_101395.2, NM_130438.2); short protein forms K415E, K444E, K453E.
Identifiers: ClinVar variation 1517585 (VCV001517585.6), dbSNP rs1555990891, ClinGen allele CA409938331.

ClinVar aggregate classification (germline): Uncertain significance (1 of 4 stars; one submission).

Conditions:
DYRK1A-related intellectual disability syndrome (MRD7). Also called: Intellectual developmental disorder, autosomal dominant 7; DYRK1A Syndrome. Identifiers: Orphanet 464306, MedGen C5568143, MONDO:0013578, OMIM 614104.

Allele frequency attached by ClinVar (database versions not stated): gnomAD exomes below 0.00001.
gnomAD v4.1: 1 of 1,614,226 alleles (0.000062%); highest among the groups gnomAD compares: African/African-American, 0.0013%; no homozygotes.

Submission:

Labcorp Genetics (formerly Invitae), Labcorp
Classification: Uncertain significance for DYRK1A-related intellectual disability syndrome. Last evaluated: 2021-09-05. Review status: criteria provided, single submitter. Criteria: Invitae Variant Classification Sherloc (09022015). Collection method: clinical testing. Allele origin: germline.
Comment: Advanced modeling of protein sequence and biophysical properties (such as structural, functional, and spatial information, amino acid conservation, physicochemical variation, residue mobility, and thermodynamic stability) performed at Invitae indicates that this missense variant is not expected to disrupt DYRK1A protein function. This variant has not been reported in the literature in individuals affected with DYRK1A-related conditions. This variant is not present in population databases (ExAC no frequency). This sequence change replaces lysine with glutamic acid at codon 453 of the DYRK1A protein (p.Lys453Glu). The lysine residue is highly conserved and there is a small physicochemical difference between lysine and glutamic acid. In summary, the available evidence is currently insufficient to determine the role of this variant in disease. Therefore, it has been classified as a Variant of Uncertain Significance.